The following is an entry in ClinVar:

ClinVar aggregate classification (germline): Conflicting classifications of pathogenicity. Review status: criteria provided, conflicting classifications (1 of 4 stars). 3 submissions from 3 submitters: Uncertain significance (1); Likely benign (2). Last evaluated 2026-01-11.

Conditions:
Alstrom syndrome (ALMS). Identifiers: Orphanet 64, MedGen C0268425, MONDO:0008763, OMIM 203800.
Cardiovascular phenotype. Identifiers: MedGen CN230736.

Allele frequency attached by ClinVar (database versions not stated): gnomAD 0.00001; TOPMed 0.00001; ExAC 0.00002; gnomAD exomes 0.00002.
gnomAD v4.1: 26 of 1,613,778 alleles (0.0016%); highest among the groups gnomAD compares: Non-Finnish European, 0.0021%; no homozygotes.

Submissions (3):

Labcorp Genetics (formerly Invitae), Labcorp
Classification: Likely benign for Alstrom syndrome. Last evaluated: 2026-01-11. Review status: criteria provided, single submitter. Criteria: Invitae Variant Classification Sherloc (09022015). Collection method: clinical testing. Allele origin: germline.

Ambry Genetics
Classification: Likely benign for Cardiovascular phenotype. Last evaluated: 2022-01-07. Review status: criteria provided, single submitter. Criteria: Ambry Variant Classification Scheme 2023. Collection method: clinical testing. Allele origin: germline.

Women's Health and Genetics/Laboratory Corporation of America, LabCorp
Classification: Uncertain significance. Last evaluated: 2018-10-22. Review status: criteria provided, single submitter. Criteria: LabCorp Variant Classification Summary - May 2015. Collection method: clinical testing. Allele origin: germline.
Comment: Variant summary: ALMS1 c.2133C>T (alternative name c.2139C>T) alters a non-conserved nucleotide resulting in a synonymous change. 5/5 computational tools predict no significant impact on normal splicing. However, these predictions have yet to be confirmed by functional studies. The variant allele was found at a frequency of 1.8e-05 in 276236 control chromosomes (gnomAD). The available data on variant occurrences in the general population are insufficient to allow any conclusion about variant significance. To our knowledge, no occurrence of c.2133C>T in individuals affected with Cardiomyopathy and no experimental evidence demonstrating its impact on protein function have been reported. No clinical diagnostic laboratories have submitted clinical-significance assessments for this variant to ClinVar after 2014. Based on the evidence outlined above, the variant was classified as VUS-possibly benign.

NM_001378454.1(ALMS1):c.2136C>T (p.Leu712=)

Gene: ALMS1 (ALMS1 centrosome and basal body associated protein; plus strand). Cytogenetic location: 2p13.1.
Variant type: single nucleotide variant.
Coding change: c.2136C>T on transcript NM_001378454.1 (MANE Select); coding-DNA position 2136, C replaced by T.
Protein change: p.Leu712=; no amino-acid change (leucine 712 retained).
Molecular consequence: synonymous variant.
Genome position (GRCh38, 1-based): chr2:73,448,663, C>T. VCF-style: chr2-73448663-C-T. GRCh37 (hg19) VCF-style: chr2-73675790-C-T.
Other names: c.2139C>T, p.Leu713= (NM_015120.4).
Identifiers: ClinVar variation 599295 (VCV000599295.11), dbSNP rs747504060, ClinGen allele CA1713287.